The following is an entry in ClinVar:

NM_170606.3(KMT2C):c.162-20A>T

Gene: KMT2C (lysine methyltransferase 2C; minus strand). Cytogenetic location: 7q36.1.
Variant type: single nucleotide variant.
Coding change: c.162-20A>T on transcript NM_170606.3 (MANE Select); 20 bases into the intron before coding-DNA position 162, A replaced by T.
Molecular consequence: intron variant.
Genome position (GRCh38, 1-based): chr7:152,358,695, T>A on the plus strand (A>T on the coding strand, the complement: KMT2C is on the minus strand). VCF-style: chr7-152358695-T-A. GRCh37 (hg19) VCF-style: chr7-152055780-T-A.
Identifiers: ClinVar variation 1911978 (VCV001911978.6), dbSNP rs1042698272, ClinGen allele CA4581820.
Genomic context (GRCh38, chr7:152,358,695, plus strand): 5'-TGTCCTCATCTTCCACTGCAGTTTTCCCCCTACTTCGAGGTCTACAGAAAAAAAAAAAAA[T>A]AATAAGTACATAGAGTTAAATGTTAAATTTTAAGGCTTAGACTTATATTCAACATAAGGC-3'

ClinVar aggregate classification (germline): Likely benign. Review status: criteria provided, multiple submitters, no conflicts (2 of 4 stars). 2 submissions from 2 submitters: Likely benign (2). Last evaluated 2025-12-24.

Allele frequency attached by ClinVar (database versions not stated): ExAC 0.00003; gnomAD 0.00005; gnomAD exomes 0.00007.
gnomAD v4.1: 85 of 1,235,124 alleles (0.0069%); highest among the groups gnomAD compares: East Asian, 0.052%; no homozygotes.

Submissions (2):

Women's Health and Genetics/Laboratory Corporation of America, LabCorp
Classification: Likely benign. Last evaluated: 2025-12-24. Review status: criteria provided, single submitter. Criteria: LabCorp Variant Classification Summary - May 2015. Collection method: clinical testing. Allele origin: germline.
Comment: Variant summary: KMT2C c.162-20A>T alters a nucleotide located at a position not widely known to affect splicing. Consensus agreement among computation tools predict no significant impact on normal splicing. However, these predictions have yet to be confirmed by functional studies. The variant allele was found at a frequency of 3.9e-05 in 229052 control chromosomes. The available data on variant occurrences in the general population are insufficient to allow any conclusion about variant significance. To our knowledge, no occurrence of c.162-20A>T in individuals affected with KMT2C-related conditions and no experimental evidence demonstrating its impact on protein function have been reported. ClinVar contains an entry for this variant (Variation ID: 1911978). Based on the evidence outlined above, the variant was classified as likely benign.

Labcorp Genetics (formerly Invitae), Labcorp
Classification: Likely benign. Last evaluated: 2025-07-25. Review status: criteria provided, single submitter. Criteria: Invitae Variant Classification Sherloc (09022015). Collection method: clinical testing. Allele origin: germline.